The following is an entry in ClinVar:

ClinVar aggregate classification (germline): Uncertain significance (1 of 4 stars; one submission).

Allele frequency attached by ClinVar (database versions not stated): gnomAD exomes below 0.00001.

Submission:

Women's Health and Genetics/Laboratory Corporation of America, LabCorp
Classification: Uncertain significance. Last evaluated: 2023-03-29. Review status: criteria provided, single submitter. Criteria: LabCorp Variant Classification Summary - May 2015. Collection method: clinical testing. Allele origin: germline.
Comment: Variant summary: PSMD12 c.166A>G (p.Thr56Ala) results in a non-conservative amino acid change in the encoded protein sequence. Three of five in-silico tools predict a benign effect of the variant on protein function. One computational tool (TraP) predicts a possible impact on normal splicing however, this has yet to be confirmed by functional studies. The variant was absent in 251204 control chromosomes (gnomAD). The available data on variant occurrences in the general population are insufficient to allow any conclusion about variant significance. To our knowledge, no occurrence of c.166A>G in individuals affected with Stankiewicz-Isidor Syndrome and no experimental evidence demonstrating its impact on protein function have been reported. No clinical diagnostic laboratories have submitted clinical-significance assessments for this variant to ClinVar after 2014. Based on the evidence outlined above, the variant was classified as uncertain significance.

NM_002816.5(PSMD12):c.166A>G (p.Thr56Ala)

Gene: PSMD12 (proteasome 26S subunit, non-ATPase 12; minus strand). Cytogenetic location: 17q24.2.
Variant type: single nucleotide variant.
Coding change: c.166A>G on transcript NM_002816.5 (MANE Select); coding-DNA position 166, A replaced by G.
Protein change: p.Thr56Ala; replaces threonine 56 with alanine.
Molecular consequence: missense variant. On other transcripts: 5 prime UTR variant (1), intron variant (1).
Genome position (GRCh38, 1-based): chr17:67,357,521, T>C on the plus strand (A>G on the coding strand, the complement: PSMD12 is on the minus strand). VCF-style: chr17-67357521-T-C. GRCh37 (hg19) VCF-style: chr17-65353637-T-C.
Other names: c.-12A>G (NM_001316341.2); c.109-90A>G (NM_174871.4); short protein forms T56A.
Identifiers: ClinVar variation 2501137 (VCV002501137.1), dbSNP rs2042086917, ClinGen allele CA400805957.